The following is an entry in ClinVar:

NM_005726.6(TSFM):c.396A>T (p.Leu132Phe)

Gene: TSFM (Ts translation elongation factor, mitochondrial; plus strand). Cytogenetic location: 12q14.1.
Variant type: single nucleotide variant.
Coding change: c.396A>T on transcript NM_005726.6 (MANE Select); coding-DNA position 396, A replaced by T.
Protein change: p.Leu132Phe; replaces leucine 132 with phenylalanine.
Molecular consequence: missense variant.
Genome position (GRCh38, 1-based): chr12:57,787,075, A>T. VCF-style: chr12-57787075-A-T. GRCh37 (hg19) VCF-style: chr12-58180858-A-T.
Other names: c.396A>T, p.Leu132Phe (NM_001172695.2, NM_001172696.2, NM_001172697.2); short protein forms L132F.
Identifiers: ClinVar variation 2191400 (VCV002191400.4), dbSNP rs1955600379, ClinGen allele CA385526858.

ClinVar aggregate classification (germline): Uncertain significance (1 of 4 stars; one submission).

Allele frequency attached by ClinVar (database versions not stated): gnomAD exomes below 0.00001; TOPMed below 0.00001.
gnomAD v4.1: 1 of 1,613,222 alleles (0.000062%); highest among the groups gnomAD compares: African/African-American, 0.0013%; no homozygotes.

Submission:

Labcorp Genetics (formerly Invitae), Labcorp
Classification: Uncertain significance. Last evaluated: 2024-10-29. Review status: criteria provided, single submitter. Criteria: Invitae Variant Classification Sherloc (09022015). Collection method: clinical testing. Allele origin: germline.
Comment: This sequence change replaces leucine, which is neutral and non-polar, with phenylalanine, which is neutral and non-polar, at codon 132 of the TSFM protein (p.Leu132Phe). This variant is not present in population databases (gnomAD no frequency). This variant has not been reported in the literature in individuals affected with TSFM-related conditions. ClinVar contains an entry for this variant (Variation ID: 2191400). Invitae Evidence Modeling of protein sequence and biophysical properties (such as structural, functional, and spatial information, amino acid conservation, physicochemical variation, residue mobility, and thermodynamic stability) indicates that this missense variant is not expected to disrupt TSFM protein function with a negative predictive value of 80%. In summary, the available evidence is currently insufficient to determine the role of this variant in disease. Therefore, it has been classified as a Variant of Uncertain Significance.